The following is an entry in ClinVar:

NM_006371.5(CRTAP):c.*3485G>A

Gene: CRTAP (cartilage associated protein; plus strand). Cytogenetic location: 3p22.3.
Variant type: single nucleotide variant.
Coding change: c.*3485G>A on transcript NM_006371.5 (MANE Select); 3485 bases downstream of the stop codon, G replaced by A.
Molecular consequence: 3 prime UTR variant.
Genome position (GRCh38, 1-based): chr3:33,145,933, G>A. VCF-style: chr3-33145933-G-A. GRCh37 (hg19) VCF-style: chr3-33187425-G-A.
Identifiers: ClinVar variation 344869 (VCV000344869.6), dbSNP rs1132392, ClinGen allele CA10615694.

ClinVar aggregate classification (germline): Benign. Review status: criteria provided, multiple submitters, no conflicts (2 of 4 stars). 2 submissions from 2 submitters: Benign (2). Last evaluated 2018-01-12.

Conditions:
Osteogenesis imperfecta type 7 (OI7). Also called: OI type 7; OI type VII; OSTEOGENESIS IMPERFECTA, TYPE IIB; Osteogenesis imperfecta type 2B; OI type 2B; Osteogenesis imperfecta, perinatal lethal autosomal recessive. Identifiers: MedGen C1853162, MONDO:0012536, OMIM 610682.

Allele frequency attached by ClinVar (database versions not stated): 1000 Genomes Project 30x 0.31683; 1000 Genomes Project 0.31989; TOPMed 0.43408; gnomAD 0.45114 and 0.45631; gnomAD exomes 0.52381.
gnomAD v4.1: 68,679 of 151,840 alleles (45%); highest among the groups gnomAD compares: Non-Finnish European, 60%; 17,701 homozygotes.

Submissions (2):

Illumina Laboratory Services, Illumina
Classification: Benign for Osteogenesis imperfecta type 7. Last evaluated: 2018-01-12. Review status: criteria provided, single submitter. Criteria: ICSL Variant Classification Criteria 13 December 2019. Collection method: clinical testing. Allele origin: germline.
Comment: This variant was observed in the ICSL laboratory as part of a predisposition screen in an ostensibly healthy population. It had not been previously curated by ICSL or reported in the Human Gene Mutation Database (HGMD: prior to June 1st, 2018), and was therefore a candidate for classification through an automated scoring system. Utilizing variant allele frequency, disease prevalence and penetrance estimates, and inheritance mode, an automated score was calculated to assess if this variant is too frequent to cause the disease. Based on the score and internal cut-off values, a variant classified as benign is not then subjected to further curation. The score for this variant resulted in a classification of benign for this disease.

Breakthrough Genomics
Classification: Benign. Review status: criteria provided, single submitter. Criteria: ACMG Guidelines, 2015. Collection method: not provided. Allele origin: germline. Inheritance: Autosomal recessive inheritance. Affected: yes.